The following is an entry in ClinVar:

NM_001031710.3(KLHL7):c.376A>G (p.Ile126Val)

Gene: KLHL7 (kelch like family member 7; plus strand). Cytogenetic location: 7p15.3.
Variant type: single nucleotide variant.
Coding change: c.376A>G on transcript NM_001031710.3 (MANE Select); coding-DNA position 376, A replaced by G.
Protein change: p.Ile126Val; replaces isoleucine 126 with valine.
Molecular consequence: missense variant. On other transcripts: non-coding transcript variant (2).
Genome position (GRCh38, 1-based): chr7:23,125,106, A>G. VCF-style: chr7-23125106-A-G. GRCh37 (hg19) VCF-style: chr7-23164725-A-G.
Other names: c.376A>G, p.Ile126Val (NM_001172428.2); c.232A>G, p.Ile78Val (NM_018846.5); short protein forms I126V, I78V.
Identifiers: ClinVar variation 1408696 (VCV001408696.6), dbSNP rs1208985231, ClinGen allele CA366975630.
Genomic context (GRCh38, chr7:23,125,106, plus strand): 5'-AGAATTTCCGTGAATAGCAACAATGTTCAGTCTTTGCTGGATGCAGCAAACCAATATCAG[A>G]TTGAACCTGTGAAGAAAATGTGTGTTGATTTTTTGAAAGAACAAGTTGATGCTTCAAATT-3'
Protein context (NP_001026880.2, residues 116-136): SLLDAANQYQ[Ile126Val]EPVKKMCVDF

ClinVar aggregate classification (germline): Uncertain significance (1 of 4 stars; one submission).

Submission:

Labcorp Genetics (formerly Invitae), Labcorp
Classification: Uncertain significance. Last evaluated: 2022-07-01. Review status: criteria provided, single submitter. Criteria: Invitae Variant Classification Sherloc (09022015). Collection method: clinical testing. Allele origin: germline.
Comment: In summary, the available evidence is currently insufficient to determine the role of this variant in disease. Therefore, it has been classified as a Variant of Uncertain Significance. Algorithms developed to predict the effect of sequence changes on RNA splicing suggest that this variant may create or strengthen a splice site. Algorithms developed to predict the effect of missense changes on protein structure and function are either unavailable or do not agree on the potential impact of this missense change (SIFT: "Deleterious"; PolyPhen-2: "Benign"; Align-GVGD: "Class C25"). ClinVar contains an entry for this variant (Variation ID: 1408696). This variant has not been reported in the literature in individuals affected with KLHL7-related conditions. This variant is not present in population databases (gnomAD no frequency). This sequence change replaces isoleucine, which is neutral and non-polar, with valine, which is neutral and non-polar, at codon 126 of the KLHL7 protein (p.Ile126Val).